The following is an entry in ClinVar:

ClinVar aggregate classification (germline): Benign/Likely benign. Review status: criteria provided, multiple submitters, no conflicts (2 of 4 stars). 3 submissions from 3 submitters: Benign (1); Likely benign (2). Last evaluated 2026-05-18.

Conditions:
Hereditary cancer-predisposing syndrome. Also called: Hereditary neoplastic syndrome; Neoplastic Syndromes, Hereditary; Hereditary Cancer Syndrome; Tumor predisposition. Identifiers: Orphanet 140162, MedGen C0027672, MeSH D009386, MONDO:0015356.
Cardiovascular phenotype. Identifiers: MedGen CN230736.
Neurofibromatosis, type 1 (NF1). Also called: Peripheral type neurofibromatosis; Neurofibromatosis, type I; VON RECKLINGHAUSEN DISEASE; NEUROFIBROMATOSIS, TYPE I, SOMATIC. Identifiers: Orphanet 636, MedGen C0027831, MONDO:0018975, OMIM 162200. Disease mechanism: loss of function.

Submissions (3):

Myriad Genetics, Inc.
Classification: Benign for Neurofibromatosis, type 1. Last evaluated: 2026-05-18. Review status: criteria provided, single submitter. Criteria: Myriad Autosomal Dominant, Autosomal Recessive and X-Linked Classification Criteria (2023). Collection method: clinical testing. Allele origin: unknown.
Comment: This variant is considered benign. This variant is a silent/synonymous amino acid change and it is not expected to impact splicing.

Labcorp Genetics (formerly Invitae), Labcorp
Classification: Likely benign for Neurofibromatosis, type 1. Last evaluated: 2024-05-15. Review status: criteria provided, single submitter. Criteria: Invitae Variant Classification Sherloc (09022015). Collection method: clinical testing. Allele origin: germline.

Ambry Genetics
Classification: Likely benign for Cardiovascular phenotype; Hereditary cancer-predisposing syndrome. Last evaluated: 2022-12-25. Review status: criteria provided, single submitter. Criteria: Ambry Variant Classification Scheme 2023. Collection method: clinical testing. Allele origin: germline.

NM_001042492.3(NF1):c.2175A>G (p.Glu725=)

Gene: NF1 (neurofibromin 1; plus strand). Cytogenetic location: 17q11.2.
Variant type: single nucleotide variant.
Coding change: c.2175A>G on transcript NM_001042492.3 (MANE Select); coding-DNA position 2175, A replaced by G.
Protein change: p.Glu725=; no amino-acid change (glutamic acid 725 retained).
Molecular consequence: synonymous variant.
Genome position (GRCh38, 1-based): chr17:31,226,608, A>G. VCF-style: chr17-31226608-A-G. GRCh37 (hg19) VCF-style: chr17-29553626-A-G.
Other names: c.2175A>G, p.Glu725= (NM_000267.4).
Identifiers: ClinVar variation 457566 (VCV000457566.10), dbSNP rs1555613817, ClinGen allele CA499443876.